The following is an entry in ClinVar:

NM_018646.6(TRPV6):c.402C>T (p.Ala134=)

Gene: TRPV6 (transient receptor potential cation channel subfamily V member 6; minus strand). Cytogenetic location: 7q34.
Variant type: single nucleotide variant.
Coding change: c.402C>T on transcript NM_018646.6 (MANE Select); coding-DNA position 402, C replaced by T.
Protein change: p.Ala134=; no amino-acid change (alanine 134 retained).
Molecular consequence: synonymous variant.
Genome position (GRCh38, 1-based): chr7:142,877,718, G>A on the plus strand (C>T on the coding strand, the complement: TRPV6 is on the minus strand). VCF-style: chr7-142877718-G-A. GRCh37 (hg19) VCF-style: chr7-142575471-G-A.
Identifiers: ClinVar variation 64567 (VCV000064567.5), dbSNP rs387907545, ClinGen allele CA216416.

ClinVar aggregate classification (germline): Likely benign. Review status: criteria provided, single submitter (1 of 4 stars). 2 submissions from 2 submitters: Likely benign (1). 1 of the submissions does not count toward it. Last evaluated 2025-08-24.

Allele frequency attached by ClinVar (database versions not stated): ExAC 0.00004; gnomAD exomes 0.00005 and 0.00008; gnomAD 0.00006; TOPMed 0.00007.
gnomAD v4.1: 126 of 1,614,038 alleles (0.0078%); highest among the groups gnomAD compares: Non-Finnish European, 0.0097%; no homozygotes.

Submissions (2):

Labcorp Genetics (formerly Invitae), Labcorp
Classification: Likely benign. Last evaluated: 2025-08-24. Review status: criteria provided, single submitter. Criteria: Invitae Variant Classification Sherloc (09022015). Collection method: clinical testing. Allele origin: germline.

Martin Pollak Laboratory,  Beth Israel Deaconess Medical Center
Classification: Uncertain significance. Review status: no assertion criteria provided. Collection method: not provided. Allele origin: unknown. Not counted in ClinVar's aggregate classification.
Comment: Higher UCa2+ group
ClinVar note: Converted during submission from unknown to Uncertain significance.